The following is an entry in ClinVar:

ClinVar aggregate classification (germline): Pathogenic/Likely pathogenic. Review status: criteria provided, multiple submitters, no conflicts (2 of 4 stars). 9 submissions from 9 submitters: Pathogenic (6); Likely pathogenic (2). 1 of the submissions does not count toward it. Last evaluated 2026-09-11.

Conditions:
HPS3-related disorders.
Hermansky-Pudlak syndrome (HPS). Also called: ALBINISM WITH HEMORRHAGIC DIATHESIS AND PIGMENTED RETICULOENDOTHELIAL CELLS. Identifiers: Orphanet 79430, MedGen C0079504, MONDO:0019312.
Hermansky-Pudlak syndrome 3 (HPS3). Identifiers: Orphanet 231512, Orphanet 79430, MedGen C3888001, MONDO:0013555, OMIM 614072.

Allele frequency attached by ClinVar (database versions not stated): gnomAD 0.00001 and 0.00002; TOPMed 0.00001; ExAC 0.00002; gnomAD exomes 0.00004.
gnomAD v4.1: 61 of 1,613,862 alleles (0.0038%); highest among the groups gnomAD compares: East Asian, 0.018%; no homozygotes.

Submissions (9):

GeneDx
Classification: Likely pathogenic. Last evaluated: 2026-09-11. Review status: criteria provided, single submitter. Criteria: GeneDx Variant Classification Process June 2021. Collection method: clinical testing. Allele origin: germline.
Comment: In silico analysis supports that this missense variant has a deleterious effect on protein structure/function; This variant is associated with the following publications: (PMID: 31589614, 11590544, 32725903, 27593200, 32502225, 31141302, 36460718, 33423334)

Labcorp Genetics (formerly Invitae), Labcorp
Classification: Pathogenic. Last evaluated: 2025-12-20. Review status: criteria provided, single submitter. Criteria: Invitae Variant Classification Sherloc (09022015). Collection method: clinical testing. Allele origin: germline.
Comment: This sequence change replaces arginine, which is basic and polar, with tryptophan, which is neutral and slightly polar, at codon 397 of the HPS3 protein (p.Arg397Trp). This variant is present in population databases (rs121908316, gnomAD 0.006%). This missense change has been observed in individual(s) with Hermansky-Pudlak syndrome (PMID: 11590544, 27593200). In at least one individual the data is consistent with being in trans (on the opposite chromosome) from a pathogenic variant. It has also been observed to segregate with disease in related individuals. ClinVar contains an entry for this variant (Variation ID: 4613). Invitae Evidence Modeling of protein sequence and biophysical properties (such as structural, functional, and spatial information, amino acid conservation, physicochemical variation, residue mobility, and thermodynamic stability) indicates that this missense variant is expected to disrupt HPS3 protein function with a positive predictive value of 80%. For these reasons, this variant has been classified as Pathogenic.

Natera, Inc.
Classification: Pathogenic for Hermansky-Pudlak syndrome. Last evaluated: 2025-10-26. Review status: criteria provided, single submitter. Criteria: Natera Variant Classification Schema (03/2026). Collection method: clinical testing. Allele origin: germline.
Comment: The c.1189C>T variant in HPS3 is a missense variant predicted to cause substitution of arginine to tryptophan at amino acid 397. This variant is rare in the general population with a frequency below the threshold expected for the associated phenotype(s). This variant has been observed in one or more individuals affected with the associated recessive disease, as either homozygous or compound heterozygous with a second variant (PMID: 33423334, 27593200). Computational prediction algorithms indicate this variant is likely to affect gene or protein function. Given the available evidence, this variant is classified as Pathogenic.

Fulgent Genetics
Classification: Pathogenic for Hermansky-Pudlak syndrome 3. Last evaluated: 2024-05-24. Review status: criteria provided, single submitter. Criteria: ACMG Guidelines, 2015. Collection method: clinical testing. Allele origin: germline.

Baylor Genetics
Classification: Pathogenic for Hermansky-Pudlak syndrome 3. Last evaluated: 2024-03-07. Review status: criteria provided, single submitter. Criteria: ACMG Guidelines, 2015. Collection method: clinical testing. Allele origin: unknown.

Women's Health and Genetics/Laboratory Corporation of America, LabCorp
Classification: Pathogenic for Hermansky-Pudlak syndrome. Last evaluated: 2022-06-01. Review status: criteria provided, single submitter. Criteria: LabCorp Variant Classification Summary - May 2015. Collection method: clinical testing. Allele origin: germline.
Comment: Variant summary: HPS3 c.1189C>T (p.Arg397Trp) results in a non-conservative amino acid change located in the Hermansky-Pudlak syndrome 3, central region domain of the encoded protein sequence. Five of five in-silico tools predict a damaging effect of the variant on protein function. The variant allele was found at a frequency of 3.6e-05 in 251380 control chromosomes. c.1189C>T has been reported in the literature in multiple compound heterozygous and homozygous individuals affected with Hermansky-Pudlak Syndrome (example Huizing_2001, Nazarian_2008, Wei_2016, Okamura_2019). These data indicate that the variant is very likely to be associated with disease. Three clinical diagnostic laboratories have submitted clinical-significance assessments for this variant to ClinVar after 2014 without evidence for independent evaluation. Two laboratories classified the variant as likely pathogenic and one as pathogenic. Based on the evidence outlined above, the variant was classified as pathogenic.

Blueprint Genetics
Classification: Pathogenic for HPS3-related disorders. Last evaluated: 2021-10-28. Review status: criteria provided, single submitter. Criteria: ACMG Guidelines, 2015. Collection method: clinical testing. Allele origin: germline. Affected: yes. Observed: 2 variant alleles.

Revvity Omics, Revvity
Classification: Likely pathogenic for Hermansky-Pudlak syndrome 3. Last evaluated: 2021-03-01. Review status: criteria provided, single submitter. Criteria: ACMG Guidelines, 2015. Collection method: clinical testing. Allele origin: germline.

OMIM
Classification: Pathogenic for HERMANSKY-PUDLAK SYNDROME 3. Last evaluated: 2001-11-01. Review status: no assertion criteria provided. Collection method: literature only. Allele origin: germline. Not counted in ClinVar's aggregate classification.

Literature cited by the submitters: PubMed 11590544 (cited by 3 submitters); PubMed 27593200 (cited by 3 submitters); PubMed 33423334 (cited by Natera, Inc.); PubMed 17933573 (cited by Women's Health and Genetics/Laboratory Corporation of America, LabCorp); PubMed 31141302 (cited by Women's Health and Genetics/Laboratory Corporation of America, LabCorp).

NM_032383.5(HPS3):c.1189C>T (p.Arg397Trp)

Gene: HPS3 (HPS3 biogenesis of lysosomal organelles complex 2 subunit 1; plus strand). Cytogenetic location: 3q24.
Variant type: single nucleotide variant.
Coding change: c.1189C>T on transcript NM_032383.5 (MANE Select); coding-DNA position 1189, C replaced by T.
Protein change: p.Arg397Trp; replaces arginine 397 with tryptophan.
Molecular consequence: missense variant.
Genome position (GRCh38, 1-based): chr3:149,150,624, C>T. VCF-style: chr3-149150624-C-T. GRCh37 (hg19) VCF-style: chr3-148868411-C-T.
Other names: R396W; c.694C>T, p.Arg232Trp (NM_001308258.2); short protein forms R397W, R232W.
Identifiers: ClinVar variation 4613 (VCV000004613.23), dbSNP rs121908316, ClinGen allele CA340273.
Genomic context (GRCh38, chr3:149,150,624, plus strand): 5'-TCACTTTGCTCAGCAGCCTGTGTCTTCCTCCTCAGTAACAACCTGCAGTGTTTCACTGTG[C>T]GGTGCAGTGCGGCGGCAGCTCGTGAGGAGGACCCGTACATGGACACCACCCTGAAGGTAA-3'
Protein context (NP_115759.2, residues 387-407): TSNNLQCFTV[Arg397Trp]CSAAAAREED